The following is an entry in ClinVar:

NM_001110556.2(FLNA):c.3223C>T (p.Pro1075Ser)

Gene: FLNA (filamin A; minus strand). Cytogenetic location: Xq28.
Variant type: single nucleotide variant.
Coding change: c.3223C>T on transcript NM_001110556.2 (MANE Select); coding-DNA position 3223, C replaced by T.
Protein change: p.Pro1075Ser; replaces proline 1075 with serine.
Molecular consequence: missense variant.
Genome position (GRCh38, 1-based): chrX:154,360,572, G>A on the plus strand (C>T on the coding strand, the complement: FLNA is on the minus strand). VCF-style: chrX-154360572-G-A. GRCh37 (hg19) VCF-style: chrX-153588940-G-A.
Other names: c.3223C>T, p.Pro1075Ser (NM_001456.4); c.3223C>T (NM_001110556.1); short protein forms P1075S.
Identifiers: ClinVar variation 618657 (VCV000618657.13), dbSNP rs1336237133, ClinGen allele CA415229435.

ClinVar aggregate classification (germline): Uncertain significance. Review status: criteria provided, multiple submitters, no conflicts (2 of 4 stars). 3 submissions from 3 submitters: Uncertain significance (2). 1 of the submissions does not count toward it. Last evaluated 2023-11-27.

Conditions:
Heterotopia, periventricular, X-linked dominant (PVNH1). Also called: PERIVENTRICULAR NODULAR HETEROTOPIA 4; HETEROTOPIA, PERIVENTRICULAR, 1; PERIVENTRICULAR NODULAR HETEROTOPIA 1; X-linked periventricular heterotopia. Identifiers: Orphanet 2149, Orphanet 82004, MedGen C1848213, MONDO:0010233, OMIM 300049.
Oto-palato-digital syndrome, type II (OPD2). Also called: Otopalatodigital Syndrome, Type II; FACIOPALATOOSSEOUS SYNDROME; OPD II SYNDROME; Otopalatodigital Syndrome Type 2 (FLNA-OPD2). Identifiers: Orphanet 669, Orphanet 90652, MedGen C1844696, MONDO:0010571, OMIM 304120.
Melnick-Needles syndrome (MNS). Also called: MELNICK-NEEDLES OSTEODYSPLASTY; OSTEODYSPLASTY OF MELNICK AND NEEDLES; Melnick-Needles Syndrome (FLNA-MNS). Identifiers: Orphanet 2484, MedGen C0025237, MONDO:0010650, OMIM 309350.
Frontometaphyseal dysplasia (FMD1). Identifiers: Orphanet 1826, MedGen C0265293, MONDO:0015942.
FLNA-related disorder.

Allele frequency attached by ClinVar (database versions not stated): TOPMed 0.00001.

Submissions (3):

Labcorp Genetics (formerly Invitae), Labcorp
Classification: Uncertain significance for Oto-palato-digital syndrome, type II; Heterotopia, periventricular, X-linked dominant; Frontometaphyseal dysplasia; Melnick-Needles syndrome. Last evaluated: 2023-11-27. Review status: criteria provided, single submitter. Criteria: Invitae Variant Classification Sherloc (09022015). Collection method: clinical testing. Allele origin: germline.
Comment: This sequence change replaces proline, which is neutral and non-polar, with serine, which is neutral and polar, at codon 1075 of the FLNA protein (p.Pro1075Ser). This variant is not present in population databases (gnomAD no frequency). This variant has not been reported in the literature in individuals affected with FLNA-related conditions. ClinVar contains an entry for this variant (Variation ID: 618657). Advanced modeling of protein sequence and biophysical properties (such as structural, functional, and spatial information, amino acid conservation, physicochemical variation, residue mobility, and thermodynamic stability) performed at Invitae indicates that this missense variant is not expected to disrupt FLNA protein function with a negative predictive value of 95%. In summary, the available evidence is currently insufficient to determine the role of this variant in disease. Therefore, it has been classified as a Variant of Uncertain Significance.

ARUP Laboratories, Molecular Genetics and Genomics, ARUP Laboratories
Classification: Uncertain significance. Last evaluated: 2017-11-14. Review status: criteria provided, single submitter. Criteria: ARUP Molecular Germline Variant Investigation Process. Collection method: clinical testing. Allele origin: germline.

PreventionGenetics, part of Exact Sciences
Classification: Uncertain significance for FLNA-related condition. Last evaluated: 2024-03-14. Review status: no assertion criteria provided. Collection method: clinical testing. Allele origin: germline. Not counted in ClinVar's aggregate classification.
Comment: The FLNA c.3223C>T variant is predicted to result in the amino acid substitution p.Pro1075Ser. To our knowledge, this variant has not been reported in the literature or in a large population database, indicating this variant is rare. At this time, the clinical significance of this variant is uncertain due to the absence of conclusive functional and genetic evidence.